The following is an entry in ClinVar:

ClinVar aggregate classification (germline): Uncertain significance. Review status: criteria provided, multiple submitters, no conflicts (2 of 4 stars). 2 submissions from 2 submitters: Uncertain significance (2). Last evaluated 2026-09-04.

Conditions:
Retinoblastoma (RB1). Also called: RETINOBLASTOMA, SOMATIC. Identifiers: Orphanet 790, MedGen C0035335, MeSH D012175, MONDO:0008380, OMIM 180200, HP:0009919. Disease mechanism: loss of function. Inheritance: Both sporadic and heritable forms are tested..
Hereditary cancer-predisposing syndrome. Also called: Tumor predisposition; Hereditary neoplastic syndrome; Hereditary Cancer Syndrome; Neoplastic Syndromes, Hereditary. Identifiers: Orphanet 140162, MedGen C0027672, MeSH D009386, MONDO:0015356.

gnomAD v4.1: 1 of 1,612,874 alleles (0.000062%); highest among the groups gnomAD compares: Non-Finnish European, 0.000085%; no homozygotes.

Submissions (2):

Ambry Genetics
Classification: Uncertain significance for Hereditary cancer-predisposing syndrome. Last evaluated: 2026-09-04. Review status: criteria provided, single submitter. Criteria: Ambry Variant Classification Scheme 2023. Collection method: clinical testing. Allele origin: germline.
Comment: The p.D111G variant (also known as c.332A>G), located in coding exon 3 of the RB1 gene, results from an A to G substitution at nucleotide position 332. The aspartic acid at codon 111 is replaced by glycine, an amino acid with similar properties. This amino acid position is highly conserved in available vertebrate species. In addition, the in silico prediction for this alteration is inconclusive. Based on the available evidence, the clinical significance of this variant remains unclear.

Labcorp Genetics (formerly Invitae), Labcorp
Classification: Uncertain significance for Retinoblastoma. Last evaluated: 2024-03-19. Review status: criteria provided, single submitter. Criteria: Invitae Variant Classification Sherloc (09022015). Collection method: clinical testing. Allele origin: germline.
Comment: This sequence change replaces aspartic acid, which is acidic and polar, with glycine, which is neutral and non-polar, at codon 111 of the RB1 protein (p.Asp111Gly). This variant is not present in population databases (gnomAD no frequency). This variant has not been reported in the literature in individuals affected with RB1-related conditions. Advanced modeling of protein sequence and biophysical properties (such as structural, functional, and spatial information, amino acid conservation, physicochemical variation, residue mobility, and thermodynamic stability) performed at Invitae indicates that this missense variant is not expected to disrupt RB1 protein function with a negative predictive value of 80%. RNA analysis performed to evaluate the impact of this missense change on mRNA splicing indicates it does not significantly alter splicing (Invitae). In summary, the available evidence is currently insufficient to determine the role of this variant in disease. Therefore, it has been classified as a Variant of Uncertain Significance.

NM_000321.3(RB1):c.332A>G (p.Asp111Gly)

Gene: RB1 (RB transcriptional corepressor 1; plus strand). Cytogenetic location: 13q14.2.
Variant type: single nucleotide variant.
Coding change: c.332A>G on transcript NM_000321.3 (MANE Select); coding-DNA position 332, A replaced by G.
Protein change: p.Asp111Gly; replaces aspartic acid 111 with glycine.
Molecular consequence: missense variant.
Genome position (GRCh38, 1-based): chr13:48,342,666, A>G. VCF-style: chr13-48342666-A-G. GRCh37 (hg19) VCF-style: chr13-48916802-A-G.
Other names: c.332A>G, p.Asp111Gly (NM_001407165.1, NM_001407166.1); short protein forms D111G.
Identifiers: ClinVar variation 3672477 (VCV003672477.3).